The following is an entry in ClinVar:

NM_006950.3(SYN1):c.316G>A (p.Ala106Thr)

Gene: SYN1 (synapsin I; minus strand). Cytogenetic location: Xp11.23.
Variant type: single nucleotide variant.
Coding change: c.316G>A on transcript NM_006950.3 (MANE Select); coding-DNA position 316, G replaced by A.
Protein change: p.Ala106Thr; replaces alanine 106 with threonine.
Molecular consequence: missense variant.
Genome position (GRCh38, 1-based): chrX:47,619,413, C>T on the plus strand (G>A on the coding strand, the complement: SYN1 is on the minus strand). VCF-style: chrX-47619413-C-T. GRCh37 (hg19) VCF-style: chrX-47478812-C-T.
Other names: c.316G>A, p.Ala106Thr (NM_133499.2); short protein forms A106T.
Identifiers: ClinVar variation 951568 (VCV000951568.10), dbSNP rs794726957, ClinGen allele CA412831678.
Genomic context (GRCh38, chrX:47,619,413, plus strand): 5'-AGTCGGTGTGCGGCTCGTCGATGACCAGCAGCACCCTGGAGGCGGCTCCCCCGCGGCCTG[C>T]GCCCCCAGAGCCGCCGCCCACCTGCTCGCTGAAGGTGGCAGCTGCCGCCGCCGTGGTCTG-3'
Protein context (NP_008881.2, residues 96-116): SEQVGGGSGG[Ala106Thr]GRGGAASRVL

ClinVar aggregate classification (germline): Uncertain significance (1 of 4 stars; one submission).

Conditions:
Epilepsy, X-linked 1, with variable learning disabilities and behavior disorders. Also called: X-linked epilepsy-learning disabilities-behavior disorders syndrome. Identifiers: Orphanet 85294, MedGen C5774177, MONDO:0010339, OMIM 300491.

Allele frequency attached by ClinVar (database versions not stated): TOPMed below 0.00001.

Submission:

Labcorp Genetics (formerly Invitae), Labcorp
Classification: Uncertain significance for Epilepsy, X-linked 1, with variable learning disabilities and behavior disorders. Last evaluated: 2019-04-27. Review status: criteria provided, single submitter. Criteria: Invitae Variant Classification Sherloc (09022015). Collection method: clinical testing. Allele origin: germline.
Comment: In summary, the available evidence is currently insufficient to determine the role of this variant in disease. Therefore, it has been classified as a Variant of Uncertain Significance. Algorithms developed to predict the effect of missense changes on protein structure and function (SIFT, PolyPhen-2, Align-GVGD) all suggest that this variant is likely to be tolerated, but these predictions have not been confirmed by published functional studies and their clinical significance is uncertain. This variant has not been reported in the literature in individuals with SYN1-related conditions. This variant is not present in population databases (ExAC no frequency). This sequence change replaces alanine with threonine at codon 106 of the SYN1 protein (p.Ala106Thr). The alanine residue is moderately conserved and there is a small physicochemical difference between alanine and threonine.